The following is an entry in ClinVar:

ClinVar aggregate classification (germline): Uncertain significance (1 of 4 stars; one submission).

gnomAD v4.1: 1 of 1,612,628 alleles (0.000062%); highest among the groups gnomAD compares: African/African-American, 0.0013%; no homozygotes.

Submission:

Labcorp Genetics (formerly Invitae), Labcorp
Classification: Uncertain significance. Last evaluated: 2022-10-17. Review status: criteria provided, single submitter. Criteria: Invitae Variant Classification Sherloc (09022015). Collection method: clinical testing. Allele origin: germline.
Comment: In summary, the available evidence is currently insufficient to determine the role of this variant in disease. Therefore, it has been classified as a Variant of Uncertain Significance. Algorithms developed to predict the effect of missense changes on protein structure and function (SIFT, PolyPhen-2, Align-GVGD) all suggest that this variant is likely to be tolerated. This variant has not been reported in the literature in individuals affected with SPEG-related conditions. This variant is not present in population databases (gnomAD no frequency). This sequence change replaces threonine, which is neutral and polar, with isoleucine, which is neutral and non-polar, at codon 1474 of the SPEG protein (p.Thr1474Ile).

NM_005876.5(SPEG):c.4421C>T (p.Thr1474Ile)

Gene: SPEG (striated muscle enriched protein kinase; plus strand). Cytogenetic location: 2q35.
Variant type: single nucleotide variant.
Coding change: c.4421C>T on transcript NM_005876.5 (MANE Select); coding-DNA position 4421, C replaced by T.
Protein change: p.Thr1474Ile; replaces threonine 1474 with isoleucine.
Molecular consequence: missense variant.
Genome position (GRCh38, 1-based): chr2:219,473,877, C>T. VCF-style: chr2-219473877-C-T. GRCh37 (hg19) VCF-style: chr2-220338599-C-T.
Other names: short protein forms T1474I.
Identifiers: ClinVar variation 2087714 (VCV002087714.4), dbSNP rs1692111651, ClinGen allele CA350678714.